The following is an entry in ClinVar:

NC_000009.11:g.(?_325651)_(332498_?)del

Gene: DOCK8 (dedicator of cytokinesis 8; plus strand). Cytogenetic location: 9p24.3.
Variant type: Deletion.
Identifiers: ClinVar variation 1454704 (VCV001454704.11).

ClinVar aggregate classification (germline): Pathogenic (1 of 4 stars; one submission).

Conditions:
Hyper-IgE recurrent infection syndrome 3, autosomal recessive. Also called: Autosomal recessive hyper-IgE syndrome due to ZNF341 deficiency; HYPER-IgE SYNDROME 3, AUTOSOMAL RECESSIVE, WITH RECURRENT INFECTIONS. Identifiers: Orphanet 641368, MedGen C4748969, MONDO:0032654, OMIM 618282.

Submission:

Labcorp Genetics (formerly Invitae), Labcorp
Classification: Pathogenic for Combined immunodeficiency due to DOCK8 deficiency. Last evaluated: 2022-02-25. Review status: criteria provided, single submitter. Criteria: Invitae Variant Classification Sherloc (09022015). Collection method: clinical testing. Allele origin: germline.
Comment: For these reasons, this variant has been classified as Pathogenic. This variant has not been reported in the literature in individuals affected with DOCK8-related conditions. This variant is a gross deletion of the genomic region encompassing exon(s) 8-10 of the DOCK8 gene. This deletion is out-of-frame, and is expected to create a premature termination codon and result in an absent or disrupted protein product. Loss-of-function variants in DOCK8 are known to be pathogenic (PMID: 14722525, 19776401).

Literature cited by the submitters: PubMed 14722525; PubMed 19776401.